The following is an entry in ClinVar:

ClinVar aggregate classification (germline): Uncertain significance (1 of 4 stars; one submission).

Conditions:
Hereditary cancer-predisposing syndrome. Also called: Tumor predisposition; Hereditary Cancer Syndrome; Hereditary neoplastic syndrome; Neoplastic Syndromes, Hereditary. Identifiers: Orphanet 140162, MedGen C0027672, MeSH D009386, MONDO:0015356.

Submission:

Ambry Genetics
Classification: Uncertain significance for Hereditary cancer-predisposing syndrome. Last evaluated: 2026-02-10. Review status: criteria provided, single submitter. Criteria: Ambry Variant Classification Scheme 2023. Collection method: clinical testing. Allele origin: germline.
Comment: The p.H236Q variant (also known as c.708T>G), located in coding exon 8 of the BRCA2 gene, results from a T to G substitution at nucleotide position 708. The histidine at codon 236 is replaced by glutamine, an amino acid with highly similar properties. This amino acid position is not well conserved in available vertebrate species. In addition, this alteration is predicted to be tolerated by in silico analysis. Based on the available evidence, the clinical significance of this variant remains unclear.

NM_000059.4(BRCA2):c.708T>G (p.His236Gln)

Gene: BRCA2 (BRCA2 DNA repair associated; plus strand). Cytogenetic location: 13q13.1.
Variant type: single nucleotide variant.
Coding change: c.708T>G on transcript NM_000059.4 (MANE Select); coding-DNA position 708, T replaced by G.
Protein change: p.His236Gln; replaces histidine 236 with glutamine.
Molecular consequence: missense variant.
Genome position (GRCh38, 1-based): chr13:32,330,945, T>G. VCF-style: chr13-32330945-T-G. GRCh37 (hg19) VCF-style: chr13-32905082-T-G.
Other names: c.708T>G, p.His236Gln (NM_001406719.1, NM_001406720.1, NM_001406721.1); c.339T>G, p.His113Gln (NM_001406722.1); short protein forms H113Q, H236Q.
Identifiers: ClinVar variation 1757102 (VCV001757102.3), dbSNP rs185506536, ClinGen allele CA387759937.